The following is an entry in ClinVar:

NM_032043.3(BRIP1):c.37del (p.Gly12_Val13insTer)

Gene: BRIP1 (BRCA1 interacting DNA helicase 1; minus strand). Cytogenetic location: 17q23.2.
Variant type: Deletion.
Coding change: c.37del on transcript NM_032043.3 (MANE Select); coding-DNA position 37, one base deleted (G; older notation c.37delG).
Protein change: p.Gly12_Val13insTer.
Molecular consequence: nonsense.
Genome position (GRCh38, 1-based): chr17:61,861,503, C deleted on the plus strand (G on the coding strand, the reverse complement: BRIP1 is on the minus strand); the first of 4 consecutive C bases (chr17:61,861,503-61,861,506); deleting any one gives the same sequence. VCF-style (leftmost placement, unchanged base first): chr17-61861502-AC-A. GRCh37 (hg19) VCF-style: chr17-59938863-AC-A.
Identifiers: ClinVar variation 2584333 (VCV002584333.6), dbSNP rs2545480911, ClinGen allele CA2582342266.

ClinVar aggregate classification (germline): Pathogenic/Likely pathogenic. Review status: criteria provided, multiple submitters, no conflicts (2 of 4 stars). 3 submissions from 3 submitters: Pathogenic (2); Likely pathogenic (1). Last evaluated 2023-05-30.

Conditions:
Hereditary breast ovarian cancer syndrome. Also called: Hereditary breast and/or ovarian cancer syndrome; Hereditary breast and ovarian cancer; Hereditary breast and ovarian cancer syndrome; Hereditary breast and ovarian cancer syndrome (HBOC); Breast and ovarian cancer; BRCA1- and BRCA2-Associated Hereditary Breast and Ovarian Cancer. Identifiers: Orphanet 145, MedGen C0677776, MeSH D061325, MONDO:0003582. Disease mechanism: loss of function.
Fanconi anemia complementation group J. Also called: BRIP1-Related Fanconi Anemia. Identifiers: Orphanet 84, MedGen C1836860, MONDO:0012187, OMIM 609054.
Familial cancer of breast. Also called: Hereditary breast cancer; hereditary breast carcinoma; BREAST CANCER, FAMILIAL. Identifiers: Orphanet 227535, MedGen C0346153, MONDO:0016419, OMIM 114480. Disease mechanism: loss of function.

Submissions (3):

Myriad Genetics, Inc.
Classification: Pathogenic for Familial cancer of breast. Last evaluated: 2023-05-30. Review status: criteria provided, single submitter. Criteria: Myriad Autosomal Dominant, Autosomal Recessive and X-Linked Classification Criteria (2023). Collection method: clinical testing. Allele origin: unknown.
Comment: This variant is considered pathogenic. This variant creates a termination codon and is predicted to result in premature protein truncation.

Labcorp Genetics (formerly Invitae), Labcorp
Classification: Pathogenic for Familial cancer of breast; Fanconi anemia complementation group J. Last evaluated: 2023-02-13. Review status: criteria provided, single submitter. Criteria: Invitae Variant Classification Sherloc (09022015). Collection method: clinical testing. Allele origin: germline.
Comment: This sequence change creates a premature translational stop signal (p.Val13*) in the BRIP1 gene. It is expected to result in an absent or disrupted protein product. Loss-of-function variants in BRIP1 are known to be pathogenic (PMID: 16116423, 17033622, 21964575). This variant is not present in population databases (gnomAD no frequency). This variant has not been reported in the literature in individuals affected with BRIP1-related conditions. For these reasons, this variant has been classified as Pathogenic.

Laboratory for Molecular Medicine, Mass General Brigham Personalized Medicine
Classification: Likely pathogenic for Hereditary breast ovarian cancer syndrome. Last evaluated: 2022-11-03. Review status: criteria provided, single submitter. Criteria: ACMG Guidelines, 2015. Collection method: clinical testing. Allele origin: germline.
Comment: The p.Val13X (c.37delG) variant in BRIP1 has not been reported in individuals with disease and was absent from large population studies. This single nucleotide deletion is predicted to create a premature termination codon at position 13, which is predicted to lead to a truncated or absent protein. Loss of function of the BRIP1 gene is an established disease mechanism in autosomal dominant breast and ovariant cancer. In summary, although additional studies are required to fully establish its clinical significance, this variant meets criteria to be classified as likely pathogenic for autosomal dominant breast and ovarian cancer. ACMG/AMP Criteria applied: PVS1, PM2_Supporting.

Literature cited by the submitters: PubMed 16116423 (cited by Labcorp Genetics (formerly Invitae), Labcorp); PubMed 17033622 (cited by Labcorp Genetics (formerly Invitae), Labcorp); PubMed 21964575 (cited by Labcorp Genetics (formerly Invitae), Labcorp).